The following is an entry in ClinVar:

ClinVar aggregate classification (germline): Uncertain significance (3 of 4 stars; one submission).

Conditions:
Open-angle glaucoma. Identifiers: MedGen C0017612, MONDO:0005338, HP:0012108.

Submission:

ClinGen Glaucoma Variant Curation Expert Panel
Classification: Uncertain significance for Open-angle glaucoma. Last evaluated: 2025-12-03. Review status: reviewed by expert panel. Criteria: ClinGen Glaucoma ACMG Specifications V2.0.0 Approved. Collection method: curation. Allele origin: germline. Inheritance: Autosomal dominant inheritance.
Comment: The c.498G>C variant in MYOC is a synonymous variant (p.Leu166=). This variant was not found in any genetic ancestry group of gnomAD (v4.1.0), meeting the ≤ 0.0001 threshold set for PM2_Supporting in a genetic ancestry group of at least 10,000 alleles. The SpliceAI score = 0.02, which met the ≤ 0.1 threshold for BP4, suggesting that the variant does not impact MYOC function. This synonymous variant meets BP4, so BP7 is met. There was no functional evidence predicting a damaging or benign impact of this variant on MYOC function. Only 1 proband with primary open angle glaucoma had been reported (PMID: 17615537), not meeting the ≥ 2 probands threshold required to meet PS4_Supporting. In summary, this variant met the criteria to receive a score of -1 and to be classified as a variant of uncertain significance (uncertain significance classification range -1 to 5, adapted from PMID: 32720330) for primary open angle glaucoma based on the ACMG/AMP criteria met, as specified by the ClinGen Glaucoma VCEP (v2.0.0, 5 Dec 2024): PM2_Supporting, BP4, BP7

NM_000261.2(MYOC):c.498G>C (p.Leu166=)

Gene: MYOC (myocilin; minus strand). Cytogenetic location: 1q24.3.
Variant type: single nucleotide variant.
Coding change: c.498G>C on transcript NM_000261.2 (MANE Select); coding-DNA position 498, G replaced by C.
Protein change: p.Leu166=; no amino-acid change (leucine 166 retained).
Molecular consequence: synonymous variant.
Genome position (GRCh38, 1-based): chr1:171,652,114, C>G on the plus strand (G>C on the coding strand, the complement: MYOC is on the minus strand). VCF-style: chr1-171652114-C-G. GRCh37 (hg19) VCF-style: chr1-171621254-C-G.
Other names: NM_000261.2:c.498G>C.
Identifiers: ClinVar variation 2442281 (VCV002442281.2), dbSNP rs529025300, ClinGen allele CA421939121.